The following is an entry in ClinVar:

ClinVar aggregate classification (germline): Uncertain significance (1 of 4 stars; one submission).

Conditions:
Birt-Hogg-Dube syndrome. Also called: Birt Hogg Dubé syndrome. Identifiers: Orphanet 122, MedGen C0346010, MONDO:0800444.

Submission:

Labcorp Genetics (formerly Invitae), Labcorp
Classification: Uncertain significance for Birt-Hogg-Dube syndrome. Last evaluated: 2024-04-22. Review status: criteria provided, single submitter. Criteria: Invitae Variant Classification Sherloc (09022015). Collection method: clinical testing. Allele origin: germline.
Comment: This sequence change replaces alanine, which is neutral and non-polar, with valine, which is neutral and non-polar, at codon 489 of the FLCN protein (p.Ala489Val). This variant is not present in population databases (gnomAD no frequency). This variant has not been reported in the literature in individuals affected with FLCN-related conditions. ClinVar contains an entry for this variant (Variation ID: 1434062). Advanced modeling of protein sequence and biophysical properties (such as structural, functional, and spatial information, amino acid conservation, physicochemical variation, residue mobility, and thermodynamic stability) performed at Invitae indicates that this missense variant is not expected to disrupt FLCN protein function with a negative predictive value of 80%. In summary, the available evidence is currently insufficient to determine the role of this variant in disease. Therefore, it has been classified as a Variant of Uncertain Significance.

NM_144997.7(FLCN):c.1466C>T (p.Ala489Val)

Gene: FLCN (folliculin; minus strand). Cytogenetic location: 17p11.2.
Variant type: single nucleotide variant.
Coding change: c.1466C>T on transcript NM_144997.7 (MANE Select); coding-DNA position 1466, C replaced by T.
Protein change: p.Ala489Val; replaces alanine 489 with valine.
Molecular consequence: missense variant.
Genome position (GRCh38, 1-based): chr17:17,215,057, G>A on the plus strand (C>T on the coding strand, the complement: FLCN is on the minus strand). VCF-style: chr17-17215057-G-A. GRCh37 (hg19) VCF-style: chr17-17118371-G-A.
Other names: c.1520C>T, p.Ala507Val (NM_001353229.2); c.1466C>T, p.Ala489Val (NM_001353230.2, NM_001353231.2); short protein forms A489V, A507V.
Identifiers: ClinVar variation 1434062 (VCV001434062.8), dbSNP rs2144832967, ClinGen allele CA398530946.